The following is an entry in ClinVar:

ClinVar aggregate classification (germline): Likely benign. Review status: criteria provided, multiple submitters, no conflicts (2 of 4 stars). 4 submissions from 4 submitters: Likely benign (4). Last evaluated 2026-01-14.

Conditions:
RYR1-related disorder. Also called: RYR1-related disorders; RYR1-related condition. Identifiers: MedGen CN239331.
Malignant hyperthermia, susceptibility to, 1 (MHS1). Also called: Anesthesia related hyperthermia; Malignant hyperpyrexia; Fulminating hyperpyrexia; Pharmacogenic myopathy; RYR1-Related Malignant Hyperthermia Susceptibility; Malignant hyperthermia suceptibility 1. Identifiers: Orphanet 423, MedGen C2930980, MONDO:0007783, OMIM 145600.

Allele frequency attached by ClinVar (database versions not stated): TOPMed 0.00002; gnomAD 0.00003; gnomAD exomes 0.00004 and 0.00009; ExAC 0.00008; ESP Exome Variant Server 0.00008.
gnomAD v4.1: 64 of 1,613,932 alleles (0.004%); highest among the groups gnomAD compares: East Asian, 0.089%; no homozygotes.

Submissions (4):

Labcorp Genetics (formerly Invitae), Labcorp
Classification: Likely benign for RYR1-related disorder. Last evaluated: 2026-01-14. Review status: criteria provided, single submitter. Criteria: Invitae Variant Classification Sherloc (09022015). Collection method: clinical testing. Allele origin: germline.

All of Us Research Program, National Institutes of Health
Classification: Likely benign for Malignant hyperthermia, susceptibility to, 1. Last evaluated: 2023-12-15. Review status: criteria provided, single submitter. Criteria: ACMG Guidelines, 2015. Collection method: clinical testing. Allele origin: germline. Inheritance: Autosomal dominant inheritance. Observed: 10 variant alleles, 10 heterozygotes.
Comment: This study involves interpretation of variants in research participants for the purpose of population health screening. Participant phenotype was not available at the time of variant classification. Additional details can be found in publication PMID: 35346344, PMCID: PMC8962531

CeGaT Center for Human Genetics Tuebingen
Classification: Likely benign. Last evaluated: 2023-11-01. Review status: criteria provided, single submitter. Criteria: CeGaT Center For Human Genetics Tuebingen Variant Classification Criteria Version 2. Collection method: clinical testing. Allele origin: germline. Affected: yes. Observed: 1 variant allele.
Comment: RYR1: BP4, BP7

Color Diagnostics, LLC DBA Color Health
Classification: Likely benign for Malignant hyperthermia, susceptibility to, 1. Last evaluated: 2022-11-06. Review status: criteria provided, single submitter. Criteria: ACMG Guidelines, 2015. Collection method: clinical testing. Allele origin: germline.

NM_000540.3(RYR1):c.417C>T (p.Asp139=)

Gene: RYR1 (ryanodine receptor 1; plus strand). Cytogenetic location: 19q13.2.
Variant type: single nucleotide variant.
Coding change: c.417C>T on transcript NM_000540.3 (MANE Select); coding-DNA position 417, C replaced by T.
Protein change: p.Asp139=; no amino-acid change (aspartic acid 139 retained).
Molecular consequence: synonymous variant.
Genome position (GRCh38, 1-based): chr19:38,443,789, C>T. VCF-style: chr19-38443789-C-T. GRCh37 (hg19) VCF-style: chr19-38934429-C-T.
Other names: c.417C>T, p.Asp139= (NM_001042723.2).
Identifiers: ClinVar variation 701324 (VCV000701324.34), dbSNP rs140004993, ClinGen allele CA065625.